The following is an entry in ClinVar:

NM_017646.6(TRIT1):c.968G>A (p.Arg323Gln)

Gene: TRIT1 (tRNA isopentenyltransferase 1; minus strand). Cytogenetic location: 1p34.2.
Variant type: single nucleotide variant.
Coding change: c.968G>A on transcript NM_017646.6 (MANE Select); coding-DNA position 968, G replaced by A.
Protein change: p.Arg323Gln; replaces arginine 323 with glutamine.
Molecular consequence: missense variant. On other transcripts: intron variant (1).
Genome position (GRCh38, 1-based): chr1:39,847,258, C>T on the plus strand (G>A on the coding strand, the complement: TRIT1 is on the minus strand). VCF-style: chr1-39847258-C-T. GRCh37 (hg19) VCF-style: chr1-40312930-C-T.
Other names: c.928+290G>A (NM_001312691.1); c.722G>A, p.Arg241Gln (NM_001312692.2); short protein forms R323Q, R241Q.
Identifiers: ClinVar variation 492943 (VCV000492943.7), dbSNP rs1047420796, ClinGen allele CA20969799.

ClinVar aggregate classification (germline): Pathogenic/Likely pathogenic. Review status: criteria provided, multiple submitters, no conflicts (2 of 4 stars). 5 submissions from 5 submitters: Pathogenic (3); Likely pathogenic (1). 1 of the submissions does not count toward it. Last evaluated 2024-05-31.

Conditions:
Inborn genetic diseases. Identifiers: MedGen C0950123, MeSH D030342.
Combined oxidative phosphorylation deficiency 35 (COXPD35). Identifiers: MedGen C4693466, MONDO:0054742, OMIM 617873.

Allele frequency attached by ClinVar (database versions not stated): TOPMed below 0.00001; gnomAD 0.00001; gnomAD exomes 0.00001.
gnomAD v4.1: 12 of 1,613,976 alleles (0.00074%); highest among the groups gnomAD compares: East Asian, 0.011%; no homozygotes.

Submissions (5):

GeneDx
Classification: Pathogenic. Last evaluated: 2024-05-31. Review status: criteria provided, single submitter. Criteria: GeneDx Variant Classification Process June 2021. Collection method: clinical testing. Allele origin: germline. Affected: yes.
Comment: Reported in an adult with mitochondrial disease and epilepsy (PMID: 26381753); Expression studies in E. coli and yeast found that this variant impaired the isopentenyltransferase activity of TRIT1 (PMID: 24901367); In silico analysis supports that this missense variant has a deleterious effect on protein structure/function; Not observed at significant frequency in large population cohorts (gnomAD); This variant is associated with the following publications: (PMID: 26857223, 28185376, 24901367, 37393059, 26381753)

Neuberg Centre For Genomic Medicine, NCGM
Classification: Likely pathogenic for Combined oxidative phosphorylation deficiency 35. Last evaluated: 2023-05-20. Review status: criteria provided, single submitter. Criteria: ACMG Guidelines, 2015. Collection method: clinical testing. Allele origin: germline. Inheritance: Autosomal recessive inheritance. Affected: yes.
Comment: The observed missense variant c.968G>A(p.Arg323Gln) in TRIT1 gene has been reported previously in homozygous state inindividuals with Combined oxidative phosphorylation deficiency / mitochondrial disease (Whittaker RG, et al., 2015, Yarham JW, etal., 2014). The c.968G>A variant has 0.001% allele frequency in gnomAD Exomes. A different amino acid change p.Arg323Trp issubmitted to ClinVar as Pathogenic / Likely Pathogenic. This variant has been reported to the ClinVar database as Pathogenic.Theamino acid Arginine at position 323 is changed to a Glutamine changing protein sequence and it might alter its composition andphysico-chemical properties. Multiple lines of computational evidence (Polyphen, SIFT and Mutation Taster) predict a damaging effect on protein structure and function for this variant. The amino acid change p.Arg323Gln in TRIT1 is predicted as conserved byGERP++ and PhyloP across 100 vertebrates. For these reasons, this variant has been classified as Likely Pathogenic.

SIB Swiss Institute of Bioinformatics
Classification: Pathogenic for Combined oxidative phosphorylation deficiency 35. Last evaluated: 2018-10-15. Review status: criteria provided, single submitter. Criteria: ACMG Guidelines, 2015. Collection method: curation. Allele origin: germline.
Comment: This variant is interpreted as Pathogenic, for Combined oxidative phosphorylation deficiency 35, autosomal recessive. The following ACMG Tag(s) were applied: PM2 => Absent from controls (or at extremely low frequency if recessive) in Exome Sequencing Project, 1000 Genomes Project, or Exome Aggregation Consortium. PP3 => Multiple lines of computational evidence support a deleterious effect on the gene or gene product. PP1 => Cosegregation with disease in multiple affected family members in a gene definitively known to cause the disease (PubMed 24901367). PS3-Very Strong => PS3 upgraded in strength to Very Strong (PubMed 24901367).

Ambry Genetics
Classification: Pathogenic for Inborn genetic diseases. Last evaluated: 2017-08-18. Review status: criteria provided, single submitter. Criteria: Ambry exome assertion method (8-5-2015). Collection method: clinical testing. Allele origin: germline. Affected: yes. Observed: 1 variant allele.

OMIM
Classification: Pathogenic for COMBINED OXIDATIVE PHOSPHORYLATION DEFICIENCY 35. Last evaluated: 2018-02-19. Review status: no assertion criteria provided. Collection method: literature only. Allele origin: germline. Not counted in ClinVar's aggregate classification.

Literature cited by the submitters: PubMed 24901367 (cited by 3 submitters); PubMed 26381753 (cited by Ambry Genetics).